The following is an entry in ClinVar:

ClinVar aggregate classification (germline): Pathogenic/Likely pathogenic. Review status: criteria provided, multiple submitters, no conflicts (2 of 4 stars). 6 submissions from 6 submitters: Pathogenic (4); Likely pathogenic (1). 1 of the submissions does not count toward it. Last evaluated 2026-04-01.

Conditions:
NF1-related disorder. Also called: NF1-related condition. Identifiers: MedGen CN379171.
Cardiovascular phenotype. Identifiers: MedGen CN230736.
Hereditary cancer-predisposing syndrome. Also called: Neoplastic Syndromes, Hereditary; Tumor predisposition; Hereditary neoplastic syndrome; Hereditary Cancer Syndrome. Identifiers: Orphanet 140162, MedGen C0027672, MeSH D009386, MONDO:0015356.
Neurofibromatosis, type 1 (NF1). Also called: Peripheral type neurofibromatosis; NEUROFIBROMATOSIS, TYPE I, SOMATIC; Neurofibromatosis, type I; VON RECKLINGHAUSEN DISEASE. Identifiers: Orphanet 636, MedGen C0027831, MONDO:0018975, OMIM 162200. Disease mechanism: loss of function.

Submissions (6):

Department of Genetics, Sultan Qaboos University Hospital
Classification: Pathogenic for Neurofibromatosis, type 1. Last evaluated: 2026-04-01. Review status: criteria provided, single submitter. Criteria: ACMG Guidelines, 2015. Collection method: clinical testing. Allele origin: germline. Affected: yes. Observed: 1 variant allele.
Comment: PVS1_Moderate,PM2,PP5_Very_Strong

Labcorp Genetics (formerly Invitae), Labcorp
Classification: Pathogenic for Neurofibromatosis, type 1. Last evaluated: 2025-01-11. Review status: criteria provided, single submitter. Criteria: Invitae Variant Classification Sherloc (09022015). Collection method: clinical testing. Allele origin: germline.
Comment: This sequence change affects an acceptor splice site in intron 25 of the NF1 gene. RNA analysis indicates that disruption of this splice site induces altered splicing and may result in an absent or altered protein product. This variant is not present in population databases (gnomAD no frequency). Disruption of this splice site has been observed in individuals with clinical features of neurofibromatosis type 1 (PMID: 23913538; internal data). ClinVar contains an entry for this variant (Variation ID: 484086). Studies have shown that disruption of this splice site results in skipping of exon 26, and produces a non-functional protein and/or introduces a premature termination codon (PMID: 23913538). For these reasons, this variant has been classified as Pathogenic.

Ambry Genetics
Classification: Likely pathogenic for Cardiovascular phenotype; Hereditary cancer-predisposing syndrome. Last evaluated: 2024-10-02. Review status: criteria provided, single submitter. Criteria: Ambry Variant Classification Scheme 2023. Collection method: clinical testing. Allele origin: germline.
Comment: The c.3315-2A>G intronic variant results from an A to G substitution two nucleotides upstream from coding exon 26 in the NF1 gene. This variant is considered to be rare based on population cohorts in the Genome Aggregation Database (gnomAD). This nucleotide position is highly conserved in available vertebrate species. In silico splice site analysis predicts that this alteration will weaken the native splice acceptor site; however, direct evidence is insufficient at this time (Ambry internal data). Alterations that disrupt the canonical splice site are expected to cause aberrant splicing, resulting in an abnormal protein or a transcript that is subject to nonsense-mediated mRNA decay. As such, this alteration is classified as likely pathogenic.

Genome-Nilou Lab
Classification: Pathogenic for Neurofibromatosis, type 1. Last evaluated: 2022-03-15. Review status: criteria provided, single submitter. Criteria: ACMG Guidelines, 2015. Collection method: clinical testing. Allele origin: germline. Affected: no.

Juno Genomics, Hangzhou Juno Genomics, Inc
Classification: Pathogenic for Neurofibromatosis, type 1. Review status: criteria provided, single submitter. Criteria: ACMG Guidelines, 2015. Collection method: clinical testing. Allele origin: germline. Affected: yes.
Comment: Absent from controls (or at extremely low frequency if recessive) in Genome Aggregation Database, Exome Sequencing Project, 1000 Genomes Project, or Exome Aggregation Consortium.;Null variant in a gene where loss of function (LOF) is a known mechanism of disease.;Patient's phenotype or family history is highly specific for a disease with a single genetic etiology.

PreventionGenetics, part of Exact Sciences
Classification: Likely pathogenic for NF1-related condition. Last evaluated: 2023-11-20. Review status: no assertion criteria provided. Collection method: clinical testing. Allele origin: germline. Not counted in ClinVar's aggregate classification.
Comment: The NF1 c.3315-2A>G variant is predicted to disrupt the AG splice acceptor site and interfere with normal splicing. To our knowledge, this variant has not been reported in the literature or in a large population database, indicating this variant is rare. This variant is interpreted as pathogenic and likely pathogenic in ClinVar. Variants that disrupt the consensus splice acceptor site in NF1 are expected to be pathogenic. This variant is interpreted as likely pathogenic.

Literature cited by the submitters: PubMed 23913538 (cited by Labcorp Genetics (formerly Invitae), Labcorp).

NM_001042492.3(NF1):c.3315-2A>G

Gene: NF1 (neurofibromin 1; plus strand). Cytogenetic location: 17q11.2.
Variant type: single nucleotide variant.
Coding change: c.3315-2A>G on transcript NM_001042492.3 (MANE Select); the canonical splice acceptor site of the intron before coding-DNA position 3315, A replaced by G.
Molecular consequence: splice acceptor variant.
Genome position (GRCh38, 1-based): chr17:31,232,698, A>G. VCF-style: chr17-31232698-A-G. GRCh37 (hg19) VCF-style: chr17-29559716-A-G.
Other names: c.3315-2A>G (NM_000267.4, NM_001042492.2).
Identifiers: ClinVar variation 484086 (VCV000484086.19), dbSNP rs1555614914, ClinGen allele CA398988952.